The following is an entry in ClinVar:

ClinVar aggregate classification (germline): Uncertain significance (1 of 4 stars; one submission).

Submission:

Labcorp Genetics (formerly Invitae), Labcorp
Classification: Uncertain significance. Last evaluated: 2024-10-25. Review status: criteria provided, single submitter. Criteria: Invitae Variant Classification Sherloc (09022015). Collection method: clinical testing. Allele origin: germline.
Comment: This sequence change replaces glutamic acid, which is acidic and polar, with glycine, which is neutral and non-polar, at codon 1570 of the ZNF469 protein (p.Glu1570Gly). This variant is not present in population databases (gnomAD no frequency). This variant has not been reported in the literature in individuals affected with ZNF469-related conditions. ClinVar contains an entry for this variant (Variation ID: 1507569). An algorithm developed to predict the effect of missense changes on protein structure and function outputs the following: PolyPhen-2: "Benign". The glycine amino acid residue is found in multiple mammalian species, which suggests that this missense change does not adversely affect protein function. In summary, the available evidence is currently insufficient to determine the role of this variant in disease. Therefore, it has been classified as a Variant of Uncertain Significance.

NM_001367624.2(ZNF469):c.4793A>G (p.Glu1598Gly)

Gene: ZNF469 (zinc finger protein 469; plus strand). Cytogenetic location: 16q24.2.
Variant type: single nucleotide variant.
Coding change: c.4793A>G on transcript NM_001367624.2 (MANE Select); coding-DNA position 4793, A replaced by G.
Protein change: p.Glu1598Gly; replaces glutamic acid 1598 with glycine.
Molecular consequence: missense variant.
Genome position (GRCh38, 1-based): chr16:88,432,263, A>G. VCF-style: chr16-88432263-A-G. GRCh37 (hg19) VCF-style: chr16-88498671-A-G.
Other names: short protein forms E1598G.
Identifiers: ClinVar variation 1507569 (VCV001507569.8), dbSNP rs2142306773, ClinGen allele CA397093539.